The following is an entry in ClinVar:

ClinVar aggregate classification (germline): Likely benign (1 of 4 stars; one submission).

Allele frequency attached by ClinVar (database versions not stated): ExAC 0.00045; gnomAD 0.00058; gnomAD exomes 0.00106.
gnomAD v4.1: 1,157 of 1,148,177 alleles (0.1%); highest among the groups gnomAD compares: Non-Finnish European, 0.13%; 2 homozygotes.

Submission:

CeGaT Center for Human Genetics Tuebingen
Classification: Likely benign. Last evaluated: 2023-01-01. Review status: criteria provided, single submitter. Criteria: CeGaT Center For Human Genetics Tuebingen Variant Classification Criteria Version 2. Collection method: clinical testing. Allele origin: germline. Affected: yes. Observed: 1 variant allele.
Comment: LRCH2: BS2; RBMXL3: BP4, BP7, BS2

NM_001145346.2(RBMXL3):c.2073G>C (p.Gly691=)

Genes: LRCH2 (leucine rich repeats and calponin homology domain containing 2; minus strand), RBMXL3 (RBMX like 3; plus strand). Cytogenetic location: Xq23.
Variant type: single nucleotide variant.
Coding change: c.2073G>C on transcript NM_001145346.2 (MANE Select); coding-DNA position 2073, G replaced by C.
Protein change: p.Gly691=; no amino-acid change (glycine 691 retained).
Molecular consequence: synonymous variant. On other transcripts: intron variant (2).
Genome position (GRCh38, 1-based): chrX:115,191,514, G>C. VCF-style: chrX-115191514-G-C. GRCh37 (hg19) VCF-style: chrX-114426077-G-C.
Other names: c.350-3144C>G (NM_001243963.2, NM_020871.4).
Identifiers: ClinVar variation 2661241 (VCV002661241.24), dbSNP rs782404623, ClinGen allele CA10496390.
Genomic context (GRCh38, chrX:115,191,514, plus strand): 5'-GTACCGAGGCCGCTTGCTCGATGCCAACAGTGGAGGCCGCTCGCCTGATGCCTACAGTGG[G>C]GGCCACGACAGTTCCAGCCAGAGCAACCGCTATGGAGGAGGCGGCCGCTACGAGGAGTAC-3'
Protein context (NP_001138818.1, residues 681-701): SGGRSPDAYS[Gly691=]GHDSSSQSNR